The following is an entry in ClinVar:

ClinVar aggregate classification (germline): Uncertain significance (1 of 4 stars; one submission).

gnomAD v4.1: 1 of 111,659 alleles (0.0009%); highest among the groups gnomAD compares: Non-Finnish European, 0.0019%; no homozygotes.

Submission:

Greenwood Genetic Center Diagnostic Laboratories, Greenwood Genetic Center
Classification: Uncertain significance. Last evaluated: 2025-11-19. Review status: criteria provided, single submitter. Criteria: ACMG Guidelines, 2015. Collection method: clinical testing. Allele origin: germline. Affected: yes.
Comment: PM2

NM_001079872.2(CUL4B):c.*2432A>G

Gene: CUL4B (cullin 4B; minus strand). Cytogenetic location: Xq24.
Variant type: single nucleotide variant.
Coding change: c.*2432A>G on transcript NM_001079872.2 (MANE Select); 2432 bases downstream of the stop codon, A replaced by G.
Molecular consequence: 3 prime UTR variant.
Genome position (GRCh38, 1-based): chrX:120,524,329, T>C on the plus strand (A>G on the coding strand, the complement: CUL4B is on the minus strand). VCF-style: chrX-120524329-T-C. GRCh37 (hg19) VCF-style: chrX-119658184-T-C.
Other names: c.*2432A>G (NM_001330624.2, NM_003588.4).
Identifiers: ClinVar variation 4845472 (VCV004845472.1).